The following is an entry in ClinVar:

NM_001386140.1(MTTP):c.2256_2257insCCAATATA (p.Val753delinsProIleTer)

Gene: MTTP (microsomal triglyceride transfer protein; plus strand). Cytogenetic location: 4q23.
Variant type: Insertion.
Coding change: c.2256_2257insCCAATATA on transcript NM_001386140.1 (MANE Select); coding-DNA positions 2256 to 2257, CCAATATA inserted.
Protein change: p.Val753delinsProIleTer.
Molecular consequence: nonsense.
Genome position: GRCh38 VCF-style: chr4-99619012-G-GCCAATATA. GRCh37 (hg19) VCF-style: chr4-100540169-G-GCCAATATA.
Other names: c.2256_2257insCCAATATA, p.Val753delinsProIleTer (NM_000253.4); c.2007_2008insCCAATATA, p.Val670delinsProIleTer (NM_001300785.2).
Identifiers: ClinVar variation 1407188 (VCV001407188.1), dbSNP rs2110237031, ClinGen allele CA2573138520.

ClinVar aggregate classification (germline): Pathogenic (1 of 4 stars; one submission).

Submission:

Labcorp Genetics (formerly Invitae), Labcorp
Classification: Pathogenic. Last evaluated: 2021-10-14. Review status: criteria provided, single submitter. Criteria: Invitae Variant Classification Sherloc (09022015). Collection method: clinical testing. Allele origin: germline.
Comment: This sequence change creates a premature translational stop signal (p.Val753_Gly755delinsProIle*) in the MTTP gene. It is expected to result in an absent or disrupted protein product. Loss-of-function variants in MTTP are known to be pathogenic (PMID: 8533758, 9671739). The frequency data for this variant in the population databases is not available, as this variant may be reported as separate entries in the ExAC database. This variant has not been reported in the literature in individuals affected with MTTP-related conditions. For these reasons, this variant has been classified as Pathogenic.

Literature cited by the submitters: PubMed 8533758; PubMed 9671739.